The following is an entry in ClinVar:

NM_003803.4(MYOM1):c.4453G>A (p.Val1485Met)

Gene: MYOM1 (myomesin 1; minus strand). Cytogenetic location: 18p11.31.
Variant type: single nucleotide variant.
Coding change: c.4453G>A on transcript NM_003803.4 (MANE Select); coding-DNA position 4453, G replaced by A.
Protein change: p.Val1485Met; replaces valine 1485 with methionine.
Molecular consequence: missense variant.
Genome position (GRCh38, 1-based): chr18:3,083,820, C>T on the plus strand (G>A on the coding strand, the complement: MYOM1 is on the minus strand). VCF-style: chr18-3083820-C-T. GRCh37 (hg19) VCF-style: chr18-3083818-C-T.
Other names: c.4165G>A, p.Val1389Met (NM_019856.2); short protein forms V1389M, V1485M.
Identifiers: ClinVar variation 1981887 (VCV001981887.6), dbSNP rs748318238, ClinGen allele CA8873937.

ClinVar aggregate classification (germline): Uncertain significance. Review status: criteria provided, multiple submitters, no conflicts (2 of 4 stars). 2 submissions from 2 submitters: Uncertain significance (2). Last evaluated 2025-01-28.

Conditions:
Hypertrophic cardiomyopathy. Also called: HYPERTROPHIC MYOCARDIOPATHY. Identifiers: Orphanet 217569, MedGen C0007194, MeSH D002312, MONDO:0005045, HP:0001639.

Allele frequency attached by ClinVar (database versions not stated): gnomAD 0.00001; gnomAD exomes 0.00001; ExAC 0.00003; TOPMed 0.00007.
gnomAD v4.1: 17 of 1,577,624 alleles (0.0011%); highest among the groups gnomAD compares: Admixed American, 0.011%; no homozygotes.

Submissions (2):

Ambry Genetics
Classification: Uncertain significance. Last evaluated: 2025-01-28. Review status: criteria provided, single submitter. Criteria: Ambry Variant Classification Scheme 2023. Collection method: clinical testing. Allele origin: germline.
Comment: The p.V1485M variant (also known as c.4453G>A), located in coding exon 32 of the MYOM1 gene, results from a G to A substitution at nucleotide position 4453. The valine at codon 1485 is replaced by methionine, an amino acid with highly similar properties. This amino acid position is conserved. In addition, this alteration is predicted to be tolerated by in silico analysis. Based on the available evidence, the clinical significance of this variant remains unclear.

Labcorp Genetics (formerly Invitae), Labcorp
Classification: Uncertain significance for Hypertrophic cardiomyopathy. Last evaluated: 2024-08-07. Review status: criteria provided, single submitter. Criteria: Invitae Variant Classification Sherloc (09022015). Collection method: clinical testing. Allele origin: germline.
Comment: This sequence change replaces valine, which is neutral and non-polar, with methionine, which is neutral and non-polar, at codon 1485 of the MYOM1 protein (p.Val1485Met). The frequency data for this variant in the population databases is considered unreliable, as metrics indicate poor data quality at this position in the gnomAD database. This variant has not been reported in the literature in individuals affected with MYOM1-related conditions. ClinVar contains an entry for this variant (Variation ID: 1981887). Advanced modeling of protein sequence and biophysical properties (such as structural, functional, and spatial information, amino acid conservation, physicochemical variation, residue mobility, and thermodynamic stability) performed at Invitae indicates that this missense variant is not expected to disrupt MYOM1 protein function with a negative predictive value of 80%. In summary, the available evidence is currently insufficient to determine the role of this variant in disease. Therefore, it has been classified as a Variant of Uncertain Significance.